The following is an entry in ClinVar:

NM_001374353.1(GLI2):c.3701A>C (p.His1234Pro)

Gene: GLI2 (GLI family zinc finger 2; plus strand). Cytogenetic location: 2q14.2.
Variant type: single nucleotide variant.
Coding change: c.3701A>C on transcript NM_001374353.1 (MANE Select); coding-DNA position 3701, A replaced by C.
Protein change: p.His1234Pro; replaces histidine 1234 with proline.
Molecular consequence: missense variant.
Genome position (GRCh38, 1-based): chr2:120,989,666, A>C. VCF-style: chr2-120989666-A-C. GRCh37 (hg19) VCF-style: chr2-121747242-A-C.
Other names: c.3752A>C, p.His1251Pro (NM_001371271.1, NM_005270.5); c.3326A>C, p.His1109Pro (NM_001374354.1); short protein forms H1109P, H1251P, H1234P.
Identifiers: ClinVar variation 1990235 (VCV001990235.5), dbSNP rs750581555, ClinGen allele CA1852475.
Genomic context (GRCh38, chr2:120,989,666, plus strand): 5'-GCAGCCAGTGTCCTGGCATGACTACCACTATGAGCCCCCATGCCTGCTATGGCCAAGTCC[A>C]CCCCCAGCTGAGCCCCAGCACCATCAGTGGGGCCCTCAACCAGTTCCCCCAATCCTGCAG-3'
Protein context (NP_001361282.1, residues 1224-1244): MSPHACYGQV[His1234Pro]PQLSPSTISG

ClinVar aggregate classification (germline): Uncertain significance. Review status: criteria provided, multiple submitters, no conflicts (2 of 4 stars). 2 submissions from 2 submitters: Uncertain significance (2). Last evaluated 2026-05-12.

Conditions:
Holoprosencephaly 9 (HPE9). Also called: PITUITARY ANOMALIES WITH HOLOPROSENCEPHALY-LIKE FEATURES; HOLOPROSENCEPHALY WITH MICROPHTHALMIA AND FIRST BRANCHIAL ARCH ANOMALIES. Identifiers: Orphanet 2162, MedGen C1835819, MONDO:0012563, OMIM 610829.
Postaxial polydactyly-anterior pituitary anomalies-facial dysmorphism syndrome. Also called: Culler-Jones syndrome. Identifiers: Orphanet 420584, MedGen C4014479, MONDO:0014369, OMIM 615849.

Allele frequency attached by ClinVar (database versions not stated): ExAC 0.00003; gnomAD exomes 0.00002.
gnomAD v4.1: 11 of 1,612,960 alleles (0.00068%); highest among the groups gnomAD compares: Non-Finnish European, 0.00093%; no homozygotes.

Submissions (2):

Women's Health and Genetics/Laboratory Corporation of America, LabCorp
Classification: Uncertain significance. Last evaluated: 2026-05-12. Review status: criteria provided, single submitter. Criteria: LabCorp Variant Classification Summary - May 2015. Collection method: clinical testing. Allele origin: germline.

Labcorp Genetics (formerly Invitae), Labcorp
Classification: Uncertain significance for Postaxial polydactyly-anterior pituitary anomalies-facial dysmorphism syndrome; Holoprosencephaly 9. Last evaluated: 2025-10-04. Review status: criteria provided, single submitter. Criteria: Invitae Variant Classification Sherloc (09022015). Collection method: clinical testing. Allele origin: germline.
Comment: This sequence change replaces histidine, which is basic and polar, with proline, which is neutral and non-polar, at codon 1251 of the GLI2 protein (p.His1251Pro). This variant is present in population databases (rs750581555, gnomAD 0.005%). This variant has not been reported in the literature in individuals affected with GLI2-related conditions. ClinVar contains an entry for this variant (Variation ID: 1990235). An algorithm developed to predict the effect of missense changes on protein structure and function (PolyPhen-2) suggests that this variant is likely to be tolerated. In summary, the available evidence is currently insufficient to determine the role of this variant in disease. Therefore, it has been classified as a Variant of Uncertain Significance.